The following is an entry in ClinVar:

ClinVar aggregate classification (germline): Uncertain significance (1 of 4 stars; one submission).

Conditions:
Inborn genetic diseases. Identifiers: MedGen C0950123, MeSH D030342.

Submission:

Ambry Genetics
Classification: Uncertain significance for Inborn genetic diseases. Last evaluated: 2025-06-06. Review status: criteria provided, single submitter. Criteria: Ambry Variant Classification Scheme 2023. Collection method: clinical testing. Allele origin: germline.
Comment: The p.G52A variant (also known as c.155G>C), located in coding exon 2 of the FANCG gene, results from a G to C substitution at nucleotide position 155. The glycine at codon 52 is replaced by alanine, an amino acid with similar properties. This amino acid position is conserved. In addition, this alteration is predicted to be tolerated by in silico analysis. Based on the available evidence, the clinical significance of this variant remains unclear.

NM_004629.2(FANCG):c.155G>C (p.Gly52Ala)

Gene: FANCG (FA complementation group G; minus strand). Cytogenetic location: 9p13.3.
Variant type: single nucleotide variant.
Coding change: c.155G>C on transcript NM_004629.2 (MANE Select); coding-DNA position 155, G replaced by C.
Protein change: p.Gly52Ala; replaces glycine 52 with alanine.
Molecular consequence: missense variant.
Genome position (GRCh38, 1-based): chr9:35,079,171, C>G on the plus strand (G>C on the coding strand, the complement: FANCG is on the minus strand). VCF-style: chr9-35079171-C-G. GRCh37 (hg19) VCF-style: chr9-35079168-C-G.
Other names: short protein forms G52A.
Identifiers: ClinVar variation 4022551 (VCV004022551.1).
Genomic context (GRCh38, chr9:35,079,171, plus strand): 5'-GGAAGAGGGGAACTGACCATCCTGGGGAGGACCCGCCTACCTTGCAGACTATGGAGGAGC[C>G]CTCTGAGCCCTTCCAGTGCATCCTGAGCCAACTGCTGTCGCCTCAGAGTCAGACCGGAGT-3'
Protein context (NP_004620.1, residues 42-62): LAQDALEGLR[Gly52Ala]LLHSLQGLPA